The following is an entry in ClinVar:

ClinVar aggregate classification (germline): Pathogenic. Review status: criteria provided, multiple submitters, no conflicts (2 of 4 stars). 3 submissions from 3 submitters: Pathogenic (3). Last evaluated 2024-07-09.

Conditions:
Usher syndrome type 2A. Also called: RETINAL DISEASE IN USHER SYNDROME TYPE IIA, MODIFIER OF; USHER SYNDROME, TYPE IIA. Identifiers: Orphanet 231178, Orphanet 886, MedGen C1848634, MONDO:0010169, OMIM 276901.
Retinitis pigmentosa 39 (RP39). Identifiers: Orphanet 791, MedGen C3151138, MONDO:0013436, OMIM 613809.

Submissions (3):

Natera, Inc.
Classification: Pathogenic for Usher syndrome type 2A. Last evaluated: 2024-07-09. Review status: criteria provided, single submitter. Criteria: Natera Variant Classification Schema (03/2026). Collection method: clinical testing. Allele origin: germline.
Comment: The c.3788G>A variant in USH2A is a nonsense variant predicted to introduce a stop codon at amino acid 1263. This variant is expected to result in nonsense mediated decay, truncation, or a dysfunctional protein product. This variant is rare in the general population with a frequency below the threshold expected for the associated phenotype(s). This variant has been observed in one or more individuals affected with the associated recessive disease, as either homozygous or compound heterozygous with a second variant (PMID: 21686329). Given the available evidence, this variant is classified as Pathogenic.

Labcorp Genetics (formerly Invitae), Labcorp
Classification: Pathogenic. Last evaluated: 2023-06-14. Review status: criteria provided, single submitter. Criteria: Invitae Variant Classification Sherloc (09022015). Collection method: clinical testing. Allele origin: germline.
Comment: This sequence change creates a premature translational stop signal (p.Trp1263*) in the USH2A gene. It is expected to result in an absent or disrupted protein product. Loss-of-function variants in USH2A are known to be pathogenic (PMID: 10729113, 10909849, 20507924, 25649381). This variant is not present in population databases (gnomAD no frequency). This premature translational stop signal has been observed in individual(s) with Usher syndrome type IIA (PMID: 21686329). ClinVar contains an entry for this variant (Variation ID: 640289). Algorithms developed to predict the effect of sequence changes on RNA splicing suggest that this variant may disrupt the consensus splice site. For these reasons, this variant has been classified as Pathogenic.

Juno Genomics, Hangzhou Juno Genomics, Inc
Classification: Pathogenic for Usher syndrome type 2A; Retinitis pigmentosa 39. Review status: criteria provided, single submitter. Criteria: ACMG Guidelines, 2015. Collection method: clinical testing. Allele origin: germline. Affected: yes.
Comment: Absent from controls (or at extremely low frequency if recessive) in Genome Aggregation Database.;Null variant in a gene where loss of function (LOF) is a known mechanism of disease.;Patient's phenotype or family history is highly specific for a disease with a single genetic etiology.

Literature cited by the submitters: PubMed 21686329 (cited by Natera, Inc. and Labcorp Genetics (formerly Invitae), Labcorp); PubMed 10729113 (cited by Labcorp Genetics (formerly Invitae), Labcorp); PubMed 10909849 (cited by Labcorp Genetics (formerly Invitae), Labcorp); PubMed 20507924 (cited by Labcorp Genetics (formerly Invitae), Labcorp); PubMed 25649381 (cited by Labcorp Genetics (formerly Invitae), Labcorp).

NM_206933.4(USH2A):c.3788G>A (p.Trp1263Ter)

Genes: USH2A (usherin; minus strand), USH2A-AS1 (USH2A antisense RNA 1; plus strand). Cytogenetic location: 1q41.
Variant type: single nucleotide variant.
Coding change: c.3788G>A on transcript NM_206933.4 (MANE Select); coding-DNA position 3788, G replaced by A.
Protein change: p.Trp1263Ter; replaces tryptophan 1263 with a stop codon.
Molecular consequence: nonsense.
Genome position (GRCh38, 1-based): chr1:216,199,650, C>T on the plus strand (G>A on the coding strand, the complement: USH2A is on the minus strand). VCF-style: chr1-216199650-C-T. GRCh37 (hg19) VCF-style: chr1-216372992-C-T.
Other names: c.3788G>A, p.Trp1263Ter (NM_007123.6); short protein forms W1263*.
Identifiers: ClinVar variation 640289 (VCV000640289.9), dbSNP rs1572042090, ClinGen allele CA344867679.